The following is an entry in ClinVar:

ClinVar aggregate classification (germline): Benign. Review status: reviewed by expert panel (3 of 4 stars). 3 submissions from 3 submitters: Benign (1). 2 of the submissions do not count toward it. Last evaluated 2021-05-07.

Conditions:
Mitochondrial disease. Also called: Mitochondrial disorder; Mitochondrial disorders. Identifiers: Orphanet 68380, MedGen C0751651, MeSH D028361, MONDO:0044970.

Allele frequency attached by ClinVar (database versions not stated): 1000 Genomes Project 30x 0.56964; 1000 Genomes Project 0.55990; TOPMed 0.57558; gnomAD 0.57671 and 0.56791.
gnomAD v4.1: 86,228 of 152,032 alleles (57%); highest among the groups gnomAD compares: African/African-American, 80%; 26,132 homozygotes.

Submissions (3):

ClinGen Mitochondrial Disease Nuclear and Mitochondrial  Variant Curation Expert Panel, ClinGen
Classification: Benign for Mitochondrial disease. Last evaluated: 2021-05-07. Review status: reviewed by expert panel. Criteria: ClinGen Mito Disease ACMG Specifications v1. Collection method: curation. Allele origin: germline. Inheritance: Autosomal recessive inheritance.
Comment: The c.1250+188A>G variant in POLG has been reported with an allele frequency in the population of 58% in gnomAD (BA1). In summary, this variant meets criteria to be classified as benign for primary mitochondrial disease inherited in a recessive manner. ntDNA Mitochondrial ACMG-AMP Criteria for POLG applied: BA1.

GeneDx
Classification: Benign. Last evaluated: 2018-06-14. Review status: criteria provided, single submitter. Criteria: GeneDx Variant Classification (06012015). Collection method: clinical testing. Allele origin: germline. Affected: yes. Not counted in ClinVar's aggregate classification.
Comment: This variant is considered likely benign or benign based on one or more of the following criteria: it is a conservative change, it occurs at a poorly conserved position in the protein, it is predicted to be benign by multiple in silico algorithms, and/or has population frequency not consistent with disease.

Breakthrough Genomics
Classification: Benign. Review status: criteria provided, single submitter. Criteria: ACMG Guidelines, 2015. Collection method: not provided. Allele origin: germline. Inheritance: Autosomal recessive inheritance. Affected: yes. Not counted in ClinVar's aggregate classification.

NM_002693.3(POLG):c.1250+188A>G

Gene: POLG (DNA polymerase gamma, catalytic subunit; minus strand). Cytogenetic location: 15q26.1.
Variant type: single nucleotide variant.
Coding change: c.1250+188A>G on transcript NM_002693.3 (MANE Select); 188 bases into the intron after coding-DNA position 1250, A replaced by G.
Molecular consequence: intron variant.
Genome position (GRCh38, 1-based): chr15:89,328,268, T>C on the plus strand (A>G on the coding strand, the complement: POLG is on the minus strand). VCF-style: chr15-89328268-T-C. GRCh37 (hg19) VCF-style: chr15-89871499-T-C.
Other names: c.1250+188A>G (NM_001126131.2, NM_002693.2).
Identifiers: ClinVar variation 667951 (VCV000667951.3), dbSNP rs3176174, ClinGen allele CA14089290.